The following is an entry in ClinVar:

ClinVar aggregate classification (germline): Likely benign (1 of 4 stars; one submission).

Allele frequency attached by ClinVar (database versions not stated): TOPMed 0.00016; ExAC 0.00018; gnomAD 0.00021; ESP Exome Variant Server 0.00031; gnomAD exomes 0.00032.
gnomAD v4.1: 499 of 1,614,072 alleles (0.031%); highest among the groups gnomAD compares: South Asian, 0.052%; 2 homozygotes.

Submission:

CeGaT Center for Human Genetics Tuebingen
Classification: Likely benign. Last evaluated: 2022-04-01. Review status: criteria provided, single submitter. Criteria: CeGaT Center For Human Genetics Tuebingen Variant Classification Criteria Version 2. Collection method: clinical testing. Allele origin: germline. Affected: yes. Observed: 1 variant allele.
Comment: UBR4: BP4, BP7

NM_020765.3(UBR4):c.4407C>T (p.Thr1469=)

Gene: UBR4 (ubiquitin protein ligase E3 component n-recognin 4; minus strand). Cytogenetic location: 1p36.13.
Variant type: single nucleotide variant.
Coding change: c.4407C>T on transcript NM_020765.3 (MANE Select); coding-DNA position 4407, C replaced by T.
Protein change: p.Thr1469=; no amino-acid change (threonine 1469 retained).
Molecular consequence: synonymous variant.
Genome position (GRCh38, 1-based): chr1:19,164,903, G>A on the plus strand (C>T on the coding strand, the complement: UBR4 is on the minus strand). VCF-style: chr1-19164903-G-A. GRCh37 (hg19) VCF-style: chr1-19491397-G-A.
Identifiers: ClinVar variation 2638423 (VCV002638423.24), dbSNP rs373833653, ClinGen allele CA650848.